The following is an entry in ClinVar:

ClinVar aggregate classification (germline): Uncertain significance (1 of 4 stars; one submission).

Conditions:
Familial thoracic aortic aneurysm and aortic dissection (TAAD). Also called: Thoracic aortic aneurysms and dissections. Identifiers: Orphanet 91387, MedGen C4707243, MONDO:0019625.

Submission:

Labcorp Genetics (formerly Invitae), Labcorp
Classification: Uncertain significance for Familial thoracic aortic aneurysm and aortic dissection. Last evaluated: 2022-11-20. Review status: criteria provided, single submitter. Criteria: Invitae Variant Classification Sherloc (09022015). Collection method: clinical testing. Allele origin: germline.
Comment: In summary, the available evidence is currently insufficient to determine the role of this variant in disease. Therefore, it has been classified as a Variant of Uncertain Significance. This variant disrupts the p.Gly222 amino acid residue in TGFBR1. Other variant(s) that disrupt this residue have been observed in individuals with TGFBR1-related conditions (PMID: 30513140), which suggests that this may be a clinically significant amino acid residue. Advanced modeling of protein sequence and biophysical properties (such as structural, functional, and spatial information, amino acid conservation, physicochemical variation, residue mobility, and thermodynamic stability) performed at Invitae indicates that this missense variant is expected to disrupt TGFBR1 protein function. This missense change has been observed in individual(s) with TGFBR1-related conditions (Invitae). This variant is not present in population databases (gnomAD no frequency). This sequence change replaces glycine, which is neutral and non-polar, with glutamic acid, which is acidic and polar, at codon 222 of the TGFBR1 protein (p.Gly222Glu).

Literature cited by the submitters: PubMed 30513140.

NM_004612.4(TGFBR1):c.665G>A (p.Gly222Glu)

Gene: TGFBR1 (transforming growth factor beta receptor 1; plus strand). Cytogenetic location: 9q22.33.
Variant type: single nucleotide variant.
Coding change: c.665G>A on transcript NM_004612.4 (MANE Select); coding-DNA position 665, G replaced by A.
Protein change: p.Gly222Glu; replaces glycine 222 with glutamic acid.
Molecular consequence: missense variant.
Genome position (GRCh38, 1-based): chr9:99,137,949, G>A. VCF-style: chr9-99137949-G-A. GRCh37 (hg19) VCF-style: chr9-101900231-G-A.
Other names: c.434G>A, p.Gly145Glu (NM_001130916.3); c.677G>A, p.Gly226Glu (NM_001306210.2, NM_001407416.1); c.665G>A, p.Gly222Glu (NM_001407417.1); c.470G>A, p.Gly157Glu (NM_001407418.1, NM_001407419.1, NM_001407420.1 and 1 more transcripts); c.458G>A, p.Gly153Glu (NM_001407423.1, NM_001407424.1, NM_001407425.1 and 8 more transcripts); c.419G>A, p.Gly140Glu (NM_001407436.1); c.188G>A, p.Gly63Glu (NM_001407438.1); short protein forms G145E, G153E, G157E, G222E, G63E, G140E, G226E.
Identifiers: ClinVar variation 2123156 (VCV002123156.4), dbSNP rs2118713139, ClinGen allele CA374229614.